The following is an entry in ClinVar:

NM_024675.4(PALB2):c.823A>C (p.Thr275Pro)

Gene: PALB2 (partner and localizer of BRCA2; minus strand). Cytogenetic location: 16p12.2.
Variant type: single nucleotide variant.
Coding change: c.823A>C on transcript NM_024675.4 (MANE Select); coding-DNA position 823, A replaced by C.
Protein change: p.Thr275Pro; replaces threonine 275 with proline.
Molecular consequence: missense variant.
Genome position (GRCh38, 1-based): chr16:23,635,723, T>G on the plus strand (A>C on the coding strand, the complement: PALB2 is on the minus strand). VCF-style: chr16-23635723-T-G. GRCh37 (hg19) VCF-style: chr16-23647044-T-G.
Other names: short protein forms T275P.
Identifiers: ClinVar variation 480235 (VCV000480235.9), dbSNP rs1555461608, ClinGen allele CA395135970.

ClinVar aggregate classification (germline): Uncertain significance. Review status: criteria provided, multiple submitters, no conflicts (2 of 4 stars). 2 submissions from 2 submitters: Uncertain significance (2). Last evaluated 2023-12-04.

Conditions:
Hereditary cancer-predisposing syndrome. Also called: Hereditary Cancer Syndrome; Neoplastic Syndromes, Hereditary; Tumor predisposition; Hereditary neoplastic syndrome. Identifiers: Orphanet 140162, MedGen C0027672, MeSH D009386, MONDO:0015356.

gnomAD v4.1: 5 of 1,614,124 alleles (0.00031%); highest among the groups gnomAD compares: Non-Finnish European, 0.00042%; no homozygotes.

Submissions (2):

Color Diagnostics, LLC DBA Color Health
Classification: Uncertain significance for Hereditary cancer-predisposing syndrome. Last evaluated: 2023-12-04. Review status: criteria provided, single submitter. Criteria: ACMG Guidelines, 2015. Collection method: clinical testing. Allele origin: germline.
Comment: This missense variant replaces threonine with proline at codon 275 of the PALB2 protein. Computational prediction suggests that this variant may not impact protein structure and function (internally defined REVEL score threshold <= 0.5, PMID: 27666373). To our knowledge, functional studies have not been reported for this variant. This variant has not been reported in individuals affected with PALB2-related disorders in the literature. This variant has not been identified in the general population by the Genome Aggregation Database (gnomAD). The available evidence is insufficient to determine the role of this variant in disease conclusively. Therefore, this variant is classified as a Variant of Uncertain Significance.

Ambry Genetics
Classification: Uncertain significance for Hereditary cancer-predisposing syndrome. Last evaluated: 2016-01-06. Review status: criteria provided, single submitter. Criteria: Ambry Variant Classification Scheme 2023. Collection method: clinical testing. Allele origin: germline.
Comment: The p.T275P variant (also known as c.823A>C), located in coding exon 4 of the PALB2 gene, results from an A to C substitution at nucleotide position 823. The threonine at codon 275 is replaced by proline, an amino acid with highly similar properties. This variant was not reported in population based cohorts in the following databases: Database of Single Nucleotide Polymorphisms (dbSNP), NHLBI Exome Sequencing Project (ESP), and 1000 Genomes Project. In the ESP, this variant was not observed in 6497 samples (12994 alleles) with coverage at this position. To date, this alteration has been detected with an allele frequency of approximately 0.001% (greater than 130000 alleles tested) in our clinical cohort. This amino acid position is poorly conserved in available vertebrate species. In addition, this alteration is predicted to be tolerated by in silico analysis. Since supporting evidence is limited at this time, the clinical significance of p.T275P remains unclear.